The following is an entry in ClinVar:

NM_015072.5(TTLL5):c.886A>G (p.Met296Val)

Gene: TTLL5 (tubulin tyrosine ligase like 5; plus strand). Cytogenetic location: 14q24.3.
Variant type: single nucleotide variant.
Coding change: c.886A>G on transcript NM_015072.5 (MANE Select); coding-DNA position 886, A replaced by G.
Protein change: p.Met296Val; replaces methionine 296 with valine.
Molecular consequence: missense variant.
Genome position (GRCh38, 1-based): chr14:75,719,778, A>G. VCF-style: chr14-75719778-A-G. GRCh37 (hg19) VCF-style: chr14-76186121-A-G.
Other names: short protein forms M296V.
Identifiers: ClinVar variation 972069 (VCV000972069.11), dbSNP rs756717509, ClinGen allele CA7279146.

ClinVar aggregate classification (germline): Uncertain significance. Review status: criteria provided, multiple submitters, no conflicts (2 of 4 stars). 2 submissions from 2 submitters: Uncertain significance (2). Last evaluated 2026-01-27.

Conditions:
TTLL5-related disorder. Also called: TTLL5-related condition.

Allele frequency attached by ClinVar (database versions not stated): gnomAD exomes 0.00001 and 0.00002; ExAC 0.00002.
gnomAD v4.1: 10 of 1,613,866 alleles (0.00062%); highest among the groups gnomAD compares: Middle Eastern, 0.017%; no homozygotes.

Submissions (2):

PreventionGenetics, part of Exact Sciences
Classification: Uncertain significance for TTLL5-related condition. Last evaluated: 2026-01-27. Review status: criteria provided, single submitter. Criteria: ACMG Guidelines, 2015. Collection method: clinical testing. Allele origin: germline.
Comment: The TTLL5 c.886A>G variant is predicted to result in the amino acid substitution p.Met296Val. To our knowledge, this variant has not been reported in the literature. This variant is reported in 0.0035% of alleles in individuals of European (Non-Finnish) descent in gnomAD. At this time, the clinical significance of this variant is uncertain due to the absence of conclusive functional and genetic evidence.

Labcorp Genetics (formerly Invitae), Labcorp
Classification: Uncertain significance. Last evaluated: 2023-12-18. Review status: criteria provided, single submitter. Criteria: Invitae Variant Classification Sherloc (09022015). Collection method: clinical testing. Allele origin: germline.
Comment: This sequence change replaces methionine, which is neutral and non-polar, with valine, which is neutral and non-polar, at codon 296 of the TTLL5 protein (p.Met296Val). This variant is present in population databases (rs756717509, gnomAD 0.004%). This variant has not been reported in the literature in individuals affected with TTLL5-related conditions. ClinVar contains an entry for this variant (Variation ID: 972069). Advanced modeling of protein sequence and biophysical properties (such as structural, functional, and spatial information, amino acid conservation, physicochemical variation, residue mobility, and thermodynamic stability) performed at Invitae indicates that this missense variant is not expected to disrupt TTLL5 protein function with a negative predictive value of 80%. In summary, the available evidence is currently insufficient to determine the role of this variant in disease. Therefore, it has been classified as a Variant of Uncertain Significance.